The following is an entry in ClinVar:

ClinVar aggregate classification (germline): Conflicting classifications of pathogenicity. Review status: criteria provided, conflicting classifications (1 of 4 stars). 2 submissions from 2 submitters: Uncertain significance (1); Likely benign (1). Last evaluated 2025-11-12.

Allele frequency attached by ClinVar (database versions not stated): TOPMed below 0.00001; ExAC 0.00001; gnomAD 0.00002.
gnomAD v4.1: 8 of 1,597,226 alleles (0.0005%); highest among the groups gnomAD compares: Admixed American, 0.0087%; no homozygotes.

Submissions (2):

Labcorp Genetics (formerly Invitae), Labcorp
Classification: Uncertain significance. Last evaluated: 2025-11-12. Review status: criteria provided, single submitter. Criteria: Invitae Variant Classification Sherloc (09022015). Collection method: clinical testing. Allele origin: germline.
Comment: This sequence change replaces alanine, which is neutral and non-polar, with glycine, which is neutral and non-polar, at codon 11 of the YWHAG protein (p.Ala11Gly). This variant is present in population databases (rs780642467, gnomAD 0.01%). This variant has not been reported in the literature in individuals affected with YWHAG-related conditions. ClinVar contains an entry for this variant (Variation ID: 1904132). Invitae Evidence Modeling of protein sequence and biophysical properties (such as structural, functional, and spatial information, amino acid conservation, physicochemical variation, residue mobility, and thermodynamic stability) indicates that this missense variant is expected to disrupt YWHAG protein function with a positive predictive value of 80%. In summary, the available evidence is currently insufficient to determine the role of this variant in disease. Therefore, it has been classified as a Variant of Uncertain Significance.

Laboratory of Genetics, Children's Clinical University Hospital Latvia
Classification: Likely benign. Last evaluated: 2025-02-16. Review status: criteria provided, single submitter. Criteria: ACMG Guidelines, 2015. Collection method: clinical testing. Allele origin: germline. Affected: yes.

NM_012479.4(YWHAG):c.32C>G (p.Ala11Gly)

Gene: YWHAG (tyrosine 3-monooxygenase/tryptophan 5-monooxygenase activation protein gamma; minus strand). Cytogenetic location: 7q11.23.
Variant type: single nucleotide variant.
Coding change: c.32C>G on transcript NM_012479.4 (MANE Select); coding-DNA position 32, C replaced by G.
Protein change: p.Ala11Gly; replaces alanine 11 with glycine.
Molecular consequence: missense variant.
Genome position (GRCh38, 1-based): chr7:76,358,777, G>C on the plus strand (C>G on the coding strand, the complement: YWHAG is on the minus strand). VCF-style: chr7-76358777-G-C. GRCh37 (hg19) VCF-style: chr7-75988094-G-C.
Other names: short protein forms A11G.
Identifiers: ClinVar variation 1904132 (VCV001904132.6), dbSNP rs780642467, ClinGen allele CA4306610.